The following is an entry in ClinVar:

ClinVar aggregate classification (germline): Uncertain significance. Review status: criteria provided, multiple submitters, no conflicts (2 of 4 stars). 4 submissions from 4 submitters: Uncertain significance (4). Last evaluated 2026-01-30.

Conditions:
Neuropathy, hereditary sensory and autonomic, type 2A (HSAN2A). Also called: MORVAN DISEASE; NEUROPATHY, CONGENITAL SENSORY; NEUROPATHY, HEREDITARY SENSORY RADICULAR, AUTOSOMAL RECESSIVE; NEUROPATHY, HEREDITARY SENSORY, TYPE IIA; NEUROPATHY, PROGRESSIVE SENSORY, OF CHILDREN; ACROOSTEOLYSIS, GIACCAI TYPE. Identifiers: Orphanet 970, MedGen C2752089, MONDO:0024309, OMIM 201300.
Generalized epilepsy with febrile seizures plus, type 7 (GEFSP7). Also called: GEFS+, TYPE 7. Identifiers: Orphanet 36387, MedGen C2751778, MONDO:0013470, OMIM 613863.
Inborn genetic diseases. Identifiers: MedGen C0950123, MeSH D030342.

Allele frequency attached by ClinVar (database versions not stated): TOPMed below 0.00001; gnomAD 0.00001; gnomAD exomes 0.00001; ExAC 0.00002; 1000 Genomes Project 30x 0.00031.
gnomAD v4.1: 18 of 1,613,816 alleles (0.0011%); highest among the groups gnomAD compares: Admixed American, 0.0017%; no homozygotes.

Submissions (4):

Dasa
Classification: Uncertain significance. Last evaluated: 2026-01-30. Review status: criteria provided, single submitter. Criteria: DASA Assertion Criteria. Collection method: clinical testing. Allele origin: germline.
Comment: NM_001365536.1(SCN9A):c.4117C>T (p.Leu1373Phe) is a missense variant that results in the substitution of leucine with phenylalanine. The affected residue or protein region has prior evidence supporting clinical relevance. This variant is rare in population databases. The currently available literature and clinical evidence are not sufficient to establish a definitive association between this variant and the reported condition. Therefore, this variant is classified as a variant of uncertain significance.

Ambry Genetics
Classification: Uncertain significance for Inborn genetic diseases. Last evaluated: 2025-11-11. Review status: criteria provided, single submitter. Criteria: Ambry Variant Classification Scheme 2023. Collection method: clinical testing. Allele origin: germline.

Labcorp Genetics (formerly Invitae), Labcorp
Classification: Uncertain significance for Neuropathy, hereditary sensory and autonomic, type 2A; Generalized epilepsy with febrile seizures plus, type 7. Last evaluated: 2025-09-05. Review status: criteria provided, single submitter. Criteria: Invitae Variant Classification Sherloc (09022015). Collection method: clinical testing. Allele origin: germline.
Comment: This sequence change replaces leucine, which is neutral and non-polar, with phenylalanine, which is neutral and non-polar, at codon 1362 of the SCN9A protein (p.Leu1362Phe). This variant is present in population databases (rs772369756, gnomAD 0.003%). This variant has not been reported in the literature in individuals affected with SCN9A-related conditions. ClinVar contains an entry for this variant (Variation ID: 967209). Invitae Evidence Modeling of protein sequence and biophysical properties (such as structural, functional, and spatial information, amino acid conservation, physicochemical variation, residue mobility, and thermodynamic stability) has been performed for this missense variant. However, the output from this modeling did not meet the statistical confidence thresholds required to predict the impact of this variant on SCN9A protein function. In summary, the available evidence is currently insufficient to determine the role of this variant in disease. Therefore, it has been classified as a Variant of Uncertain Significance.

Blueprint Genetics
Classification: Uncertain significance. Last evaluated: 2024-05-10. Review status: criteria provided, single submitter. Criteria: ACMG Guidelines, 2015. Collection method: clinical testing. Allele origin: germline.

NM_001365536.1(SCN9A):c.4117C>T (p.Leu1373Phe)

Genes: SCN1A-AS1 (SCN1A and SCN9A antisense RNA 1; plus strand), SCN9A (sodium voltage-gated channel alpha subunit 9; minus strand). Cytogenetic location: 2q24.3.
Variant type: single nucleotide variant.
Coding change: c.4117C>T on transcript NM_001365536.1 (MANE Select); coding-DNA position 4117, C replaced by T.
Protein change: p.Leu1373Phe; replaces leucine 1373 with phenylalanine.
Molecular consequence: missense variant.
Genome position (GRCh38, 1-based): chr2:166,228,780, G>A on the plus strand (C>T on the coding strand, the complement: SCN9A is on the minus strand). VCF-style: chr2-166228780-G-A. GRCh37 (hg19) VCF-style: chr2-167085290-G-A.
Other names: c.4084C>T, p.Leu1362Phe (NM_002977.4); short protein forms L1362F, L1373F.
Identifiers: ClinVar variation 967209 (VCV000967209.14), dbSNP rs772369756, ClinGen allele CA1943948.
Genomic context (GRCh38, chr2:166,228,780, plus strand): 5'-CGACATTATCAAAGTTCACTTTCAGGTTTTTCCATCGCACATTTTGACTAACATTCATAA[G>A]GGCAAAACATTCGGAACGATTTGGAACTTGACTTGCAGGAAACCGTGACCCATCTGTGGT-3'
Protein context (NP_001352465.1, residues 1363-1383): QVPNRSECFA[Leu1373Phe]MNVSQNVRWK